The following is an entry in ClinVar:

ClinVar aggregate classification (germline): Uncertain significance (1 of 4 stars; one submission).

Conditions:
Emery-Dreifuss muscular dystrophy 5, autosomal dominant (EDMD5). Also called: EMERY-DREIFUSS MUSCULAR DYSTROPHY 5. Identifiers: Orphanet 261, MedGen C2751805, MONDO:0013072, OMIM 612999.

Allele frequency attached by ClinVar (database versions not stated): gnomAD exomes below 0.00001.
gnomAD v4.1: 2 of 1,611,622 alleles (0.00012%); highest among the groups gnomAD compares: Admixed American, 0.0017%; no homozygotes.

Submission:

Labcorp Genetics (formerly Invitae), Labcorp
Classification: Uncertain significance for Emery-Dreifuss muscular dystrophy 5, autosomal dominant. Last evaluated: 2019-10-24. Review status: criteria provided, single submitter. Criteria: Invitae Variant Classification Sherloc (09022015). Collection method: clinical testing. Allele origin: germline.
Comment: This variant has not been reported in the literature in individuals with SYNE2-related conditions. This variant is not present in population databases (ExAC no frequency). This sequence change replaces asparagine with aspartic acid at codon 1211 of the SYNE2 protein (p.Asn1211Asp). The asparagine residue is weakly conserved and there is a small physicochemical difference between asparagine and aspartic acid. In summary, the available evidence is currently insufficient to determine the role of this variant in disease. Therefore, it has been classified as a Variant of Uncertain Significance. Algorithms developed to predict the effect of missense changes on protein structure and function (SIFT, PolyPhen-2, Align-GVGD) all suggest that this variant is likely to be tolerated, but these predictions have not been confirmed by published functional studies and their clinical significance is uncertain.

NM_182914.3(SYNE2):c.3631A>G (p.Asn1211Asp)

Gene: SYNE2 (spectrin repeat containing nuclear envelope protein 2; plus strand). Cytogenetic location: 14q23.2.
Variant type: single nucleotide variant.
Coding change: c.3631A>G on transcript NM_182914.3 (MANE Select); coding-DNA position 3631, A replaced by G.
Protein change: p.Asn1211Asp; replaces asparagine 1211 with aspartic acid.
Molecular consequence: missense variant.
Genome position (GRCh38, 1-based): chr14:64,000,712, A>G. VCF-style: chr14-64000712-A-G. GRCh37 (hg19) VCF-style: chr14-64467430-A-G.
Other names: c.3631A>G, p.Asn1211Asp (NM_015180.6); short protein forms N1211D.
Identifiers: ClinVar variation 941654 (VCV000941654.9), dbSNP rs2096747451, ClinGen allele CA389994048.